The following is an entry in ClinVar:

ClinVar aggregate classification (germline): Likely benign. Review status: criteria provided, multiple submitters, no conflicts (2 of 4 stars). 2 submissions from 2 submitters: Likely benign (2). Last evaluated 2026-05-12.

Conditions:
KIF1A-related disorder. Also called: KIF1A-related disorders; KIF1A-related condition.

Allele frequency attached by ClinVar (database versions not stated): TOPMed 0.00011; ExAC 0.00018; gnomAD exomes 0.00018.
gnomAD v4.1: 149 of 1,550,574 alleles (0.0096%); highest among the groups gnomAD compares: Admixed American, 0.0059%; 1 homozygote.

Submissions (2):

PreventionGenetics, part of Exact Sciences
Classification: Likely benign for KIF1A-related condition. Last evaluated: 2026-05-12. Review status: criteria provided, single submitter. Criteria: ACMG Guidelines, 2015. Collection method: clinical testing. Allele origin: germline.
Comment: This variant is classified as likely benign based on ACMG/AMP sequence variant interpretation guidelines (Richards et al. 2015 PMID: 25741868, with internal and published modifications).

GeneDx
Classification: Likely benign. Last evaluated: 2019-10-08. Review status: criteria provided, single submitter. Criteria: GeneDx Variant Classification Process June 2021. Collection method: clinical testing. Allele origin: germline. Affected: yes.

NM_001244008.2(KIF1A):c.2808C>T (p.Asp936=)

Gene: KIF1A (kinesin family member 1A; minus strand). Cytogenetic location: 2q37.3.
Variant type: single nucleotide variant.
Coding change: c.2808C>T on transcript NM_001244008.2 (MANE Select); coding-DNA position 2808, C replaced by T.
Protein change: p.Asp936=; no amino-acid change (aspartic acid 936 retained).
Molecular consequence: synonymous variant. On other transcripts: intron variant (18).
Genome position (GRCh38, 1-based): chr2:240,757,369, G>A on the plus strand (C>T on the coding strand, the complement: KIF1A is on the minus strand). VCF-style: chr2-240757369-G-A. GRCh37 (hg19) VCF-style: chr2-241696786-G-A.
Other names: c.2808C>T (NM_001244008.1); c.2883C>T, p.Asp961= (NM_001379631.1); c.2757C>T, p.Asp919= (NM_001379632.1); c.2781C>T, p.Asp927= (NM_001379633.1, NM_001379642.1, NM_001379645.1); c.2555+991C>T (NM_001379653.1, NM_001379650.1, NM_001379640.1 and 6 more transcripts); c.2657+991C>T (NM_001379635.1, NM_001330290.2, NM_001379646.1 and 1 more transcripts); c.2630+991C>T (NM_001379637.1, NM_001379648.1); c.2582+991C>T (NM_001320705.2, NM_001379638.1, NM_001330289.2).
Identifiers: ClinVar variation 1195779 (VCV001195779.3), dbSNP rs772468593, ClinGen allele CA2208017.
Genomic context (GRCh38, chr2:240,757,369, plus strand): 5'-CCTCACCAACCTTCCTACTAAACTGAACAGGGGGGGCCGGTCGTAAAACGGGTCCCGGCC[G>A]TCGCACAGCGCGTGCTCCGGAAAGACGTCGTCCTCCAGGTCCTCCTCCTCCTCATCCTCC-3'
Protein context (NP_001230937.1, residues 926-946): DDVFPEHALC[Asp936=]GRDPFYDRPP